The following is an entry in ClinVar:

NM_001048174.2(MUTYH):c.269A>C (p.Glu90Ala)

Gene: MUTYH (mutY DNA glycosylase; minus strand). Cytogenetic location: 1p34.1.
Variant type: single nucleotide variant.
Coding change: c.269A>C on transcript NM_001048174.2 (MANE Select); coding-DNA position 269, A replaced by C.
Protein change: p.Glu90Ala; replaces glutamic acid 90 with alanine.
Molecular consequence: missense variant. On other transcripts: 5 prime UTR variant (6), non-coding transcript variant (7).
Genome position (GRCh38, 1-based): chr1:45,333,320, T>G on the plus strand (A>C on the coding strand, the complement: MUTYH is on the minus strand). VCF-style: chr1-45333320-T-G. GRCh37 (hg19) VCF-style: chr1-45798992-T-G.
Other names: c.353A>C, p.Glu118Ala (NM_001128425.2); c.314A>C, p.Glu105Ala (NM_001293190.2); c.302A>C, p.Glu101Ala (NM_001293191.2, NM_001407077.1); c.-8A>C (NM_001293192.2, NM_001293196.2, NM_001407091.1); c.269A>C, p.Glu90Ala (NM_001293195.2, NM_001407070.1, NM_001407072.1 and 6 more transcripts); c.-3A>C (NM_001350650.2, NM_001350651.2, NM_001407082.1); c.344A>C, p.Glu115Ala (NM_001407069.1, NM_012222.3); c.272A>C, p.Glu91Ala (NM_001407071.1, NM_001407078.1, NM_001407079.1 and 2 more transcripts); and 3 more; short protein forms E62A, E91A, E97A, E101A, E115A, E90A, E118A, E104A.
Identifiers: ClinVar variation 4113614 (VCV004113614.1).

ClinVar aggregate classification (germline): Uncertain significance (1 of 4 stars; one submission).

Conditions:
Hereditary cancer-predisposing syndrome. Also called: Hereditary neoplastic syndrome; Neoplastic Syndromes, Hereditary; Tumor predisposition; Hereditary Cancer Syndrome. Identifiers: Orphanet 140162, MedGen C0027672, MeSH D009386, MONDO:0015356.

Submission:

Ambry Genetics
Classification: Uncertain significance for Hereditary cancer-predisposing syndrome. Last evaluated: 2025-08-27. Review status: criteria provided, single submitter. Criteria: Ambry Variant Classification Scheme 2023. Collection method: clinical testing. Allele origin: germline.
Comment: The p.E118A variant (also known as c.353A>C), located in coding exon 4 of the MUTYH gene, results from an A to C substitution at nucleotide position 353. The glutamic acid at codon 118 is replaced by alanine, an amino acid with dissimilar properties. This amino acid position is conserved. In addition, this alteration is predicted to be tolerated by in silico analysis. Based on the available evidence, the clinical significance of this variant remains unclear.